The following is an entry in ClinVar:

NM_005915.6(MCM6):c.2268C>T (p.Ile756=)

Gene: MCM6 (minichromosome maintenance complex component 6; minus strand). Cytogenetic location: 2q21.3.
Variant type: single nucleotide variant.
Coding change: c.2268C>T on transcript NM_005915.6 (MANE Select); coding-DNA position 2268, C replaced by T.
Protein change: p.Ile756=; no amino-acid change (isoleucine 756 retained).
Molecular consequence: synonymous variant.
Genome position (GRCh38, 1-based): chr2:135,844,626, G>A on the plus strand (C>T on the coding strand, the complement: MCM6 is on the minus strand). VCF-style: chr2-135844626-G-A. GRCh37 (hg19) VCF-style: chr2-136602196-G-A.
Identifiers: ClinVar variation 781948 (VCV000781948.18), dbSNP rs4988270, ClinGen allele CA1888777.

ClinVar aggregate classification (germline): Benign/Likely benign. Review status: criteria provided, multiple submitters, no conflicts (2 of 4 stars). 3 submissions from 3 submitters: Benign (2); Likely benign (1). Last evaluated 2024-10-01.

Allele frequency attached by ClinVar (database versions not stated): 1000 Genomes Project 0.00180; 1000 Genomes Project 30x 0.00187; TOPMed 0.00250; ESP Exome Variant Server 0.00331; gnomAD 0.00335 and 0.00341; gnomAD exomes 0.00382; ExAC 0.00420.
gnomAD v4.1: 5,523 of 1,585,624 alleles (0.35%); highest among the groups gnomAD compares: Non-Finnish European, 0.35%; 27 homozygotes.

Submissions (3):

CeGaT Center for Human Genetics Tuebingen
Classification: Likely benign. Last evaluated: 2024-10-01. Review status: criteria provided, single submitter. Criteria: CeGaT Center For Human Genetics Tuebingen Variant Classification Criteria Version 2. Collection method: clinical testing. Allele origin: germline. Affected: yes. Observed: 1 variant allele.
Comment: MCM6: BP4, BP7, BS2

Labcorp Genetics (formerly Invitae), Labcorp
Classification: Benign. Last evaluated: 2019-12-31. Review status: criteria provided, single submitter. Criteria: Invitae Variant Classification Sherloc (09022015). Collection method: clinical testing. Allele origin: germline.

Breakthrough Genomics
Classification: Benign. Review status: criteria provided, single submitter. Criteria: ACMG Guidelines, 2015. Collection method: not provided. Allele origin: germline. Inheritance: Autosomal dominant inheritance. Affected: yes.